The following is an entry in ClinVar:

ClinVar aggregate classification (germline): Pathogenic (1 of 4 stars; one submission).

Allele frequency attached by ClinVar (database versions not stated): gnomAD exomes below 0.00001.
gnomAD v4.1: 4 of 1,610,630 alleles (0.00025%); highest among the groups gnomAD compares: Non-Finnish European, 0.00034%; no homozygotes.

Submission:

Labcorp Genetics (formerly Invitae), Labcorp
Classification: Pathogenic. Last evaluated: 2020-06-06. Review status: criteria provided, single submitter. Criteria: Invitae Variant Classification Sherloc (09022015). Collection method: clinical testing. Allele origin: germline.
Comment: For these reasons, this variant has been classified as Pathogenic. Loss-of-function variants in ATR are known to be pathogenic (PMID: 21228398, 23144622). This variant has not been reported in the literature in individuals with ATR-related conditions. This variant is not present in population databases (ExAC no frequency). This sequence change creates a premature translational stop signal (p.Arg177*) in the ATR gene. It is expected to result in an absent or disrupted protein product.

Literature cited by the submitters: PubMed 21228398; PubMed 23144622.

NM_001184.4(ATR):c.529C>T (p.Arg177Ter)

Gene: ATR (ATR checkpoint kinase; minus strand). Cytogenetic location: 3q23.
Variant type: single nucleotide variant.
Coding change: c.529C>T on transcript NM_001184.4 (MANE Select); coding-DNA position 529, C replaced by T.
Protein change: p.Arg177Ter; replaces arginine 177 with a stop codon.
Molecular consequence: nonsense.
Genome position (GRCh38, 1-based): chr3:142,562,873, G>A on the plus strand (C>T on the coding strand, the complement: ATR is on the minus strand). VCF-style: chr3-142562873-G-A. GRCh37 (hg19) VCF-style: chr3-142281715-G-A.
Other names: c.529C>T, p.Arg177Ter (NM_001354579.2); short protein forms R177*.
Identifiers: ClinVar variation 1076365 (VCV001076365.7), dbSNP rs1173523308, ClinGen allele CA354826590.